The following is an entry in ClinVar:

NM_001204.7(BMPR2):c.1277G>A (p.Gly426Glu)

Gene: BMPR2 (bone morphogenetic protein receptor type 2; plus strand). Cytogenetic location: 2q33.2.
Variant type: single nucleotide variant.
Coding change: c.1277G>A on transcript NM_001204.7 (MANE Select); coding-DNA position 1277, G replaced by A.
Protein change: p.Gly426Glu; replaces glycine 426 with glutamic acid.
Molecular consequence: missense variant.
Genome position (GRCh38, 1-based): chr2:202,542,311, G>A. VCF-style: chr2-202542311-G-A. GRCh37 (hg19) VCF-style: chr2-203407034-G-A.
Other names: short protein forms G426E.
Identifiers: ClinVar variation 4214487 (VCV004214487.1).

ClinVar aggregate classification (germline): Uncertain significance (1 of 4 stars; one submission).

Conditions:
Inborn genetic diseases. Identifiers: MedGen C0950123, MeSH D030342.

Submission:

Ambry Genetics
Classification: Uncertain significance for Inborn genetic diseases. Last evaluated: 2025-08-08. Review status: criteria provided, single submitter. Criteria: Ambry Variant Classification Scheme 2023. Collection method: clinical testing. Allele origin: germline.
Comment: The p.G426E variant (also known as c.1277G>A) is located in coding exon 10 of the BMPR2 gene. The glycine at codon 426 is replaced by glutamic acid, an amino acid with similar properties. This change occurs in the first base pair of coding exon 10. This amino acid position is conserved. In addition, the in silico prediction for this alteration is inconclusive. Based on the available evidence, the clinical significance of this variant remains unclear.